The following is an entry in ClinVar:

ClinVar aggregate classification (germline): Uncertain significance. Review status: criteria provided, multiple submitters, no conflicts (2 of 4 stars). 2 submissions from 2 submitters: Uncertain significance (2). Last evaluated 2025-02-12.

Allele frequency attached by ClinVar (database versions not stated): gnomAD 0.00001; gnomAD exomes 0.00001; TOPMed 0.00001.
gnomAD v4.1: 7 of 1,502,708 alleles (0.00047%); highest among the groups gnomAD compares: Admixed American, 0.0093%; no homozygotes.

Submissions (2):

Ambry Genetics
Classification: Uncertain significance. Last evaluated: 2025-02-12. Review status: criteria provided, single submitter. Criteria: Ambry Variant Classification Scheme 2023. Collection method: clinical testing. Allele origin: germline.

Labcorp Genetics (formerly Invitae), Labcorp
Classification: Uncertain significance. Last evaluated: 2022-12-06. Review status: criteria provided, single submitter. Criteria: Invitae Variant Classification Sherloc (09022015). Collection method: clinical testing. Allele origin: germline.
Comment: This sequence change replaces serine, which is neutral and polar, with glycine, which is neutral and non-polar, at codon 56 of the NUP133 protein (p.Ser56Gly). The frequency data for this variant in the population databases is considered unreliable, as metrics indicate poor data quality at this position in the gnomAD database. This variant has not been reported in the literature in individuals affected with NUP133-related conditions. Algorithms developed to predict the effect of missense changes on protein structure and function are either unavailable or do not agree on the potential impact of this missense change (SIFT: "Tolerated"; PolyPhen-2: "Possibly Damaging"; Align-GVGD: "Class C0"). In summary, the available evidence is currently insufficient to determine the role of this variant in disease. Therefore, it has been classified as a Variant of Uncertain Significance.

NM_018230.3(NUP133):c.166A>G (p.Ser56Gly)

Genes: NUP133 (nucleoporin 133; minus strand), LOC129932732 (ATAC-STARR-seq lymphoblastoid silent region 1931; plus strand). Cytogenetic location: 1q42.13.
Variant type: single nucleotide variant.
Coding change: c.166A>G on transcript NM_018230.3 (MANE Select); coding-DNA position 166, A replaced by G.
Protein change: p.Ser56Gly; replaces serine 56 with glycine.
Molecular consequence: missense variant.
Genome position (GRCh38, 1-based): chr1:229,508,084, T>C on the plus strand (A>G on the coding strand, the complement: NUP133 is on the minus strand). VCF-style: chr1-229508084-T-C. GRCh37 (hg19) VCF-style: chr1-229643831-T-C.
Other names: c.166A>G (NM_018230.2); short protein forms S56G.
Identifiers: ClinVar variation 3017238 (VCV003017238.4), dbSNP rs889557084, ClinGen allele CA38780580.